The following is an entry in ClinVar:

NM_015662.3(IFT172):c.3866C>G (p.Ala1289Gly)

Genes: IFT172 (intraflagellar transport 172; minus strand), LOC126806173 (BRD4-independent group 4 enhancer GRCh37_chr2:27676057-27677256; plus strand). Cytogenetic location: 2p23.3.
Variant type: single nucleotide variant.
Coding change: c.3866C>G on transcript NM_015662.3 (MANE Select); coding-DNA position 3866, C replaced by G.
Protein change: p.Ala1289Gly; replaces alanine 1289 with glycine.
Molecular consequence: missense variant.
Genome position (GRCh38, 1-based): chr2:27,453,469, G>C on the plus strand (C>G on the coding strand, the complement: IFT172 is on the minus strand). VCF-style: chr2-27453469-G-C. GRCh37 (hg19) VCF-style: chr2-27676336-G-C.
Other names: c.3800C>G, p.Ala1267Gly (NM_001410739.1); short protein forms A1289G, A1267G.
Identifiers: ClinVar variation 4994056 (VCV004994056.1).

ClinVar aggregate classification (germline): Uncertain significance (1 of 4 stars; one submission).

Conditions:
IFT172-related disorder. Also called: IFT172-related condition; IFT172-related disorders.

gnomAD v4.1: 5 of 1,614,044 alleles (0.00031%); highest among the groups gnomAD compares: Admixed American, 0.0083%; 1 homozygote.

Submission:

PreventionGenetics, part of Exact Sciences
Classification: Uncertain significance for IFT172-related condition. Last evaluated: 2025-04-25. Review status: criteria provided, single submitter. Criteria: ACMG Guidelines, 2015. Collection method: clinical testing. Allele origin: germline.
Comment: The IFT172 c.3866C>G variant is predicted to result in the amino acid substitution p.Ala1289Gly. To our knowledge, this variant has not been reported in the literature. This variant is reported in 0.012% of alleles in individuals of Latino descent in gnomAD. At this time, the clinical significance of this variant is uncertain due to the absence of conclusive functional and genetic evidence.